The following is an entry in ClinVar:

NM_000218.3(KCNQ1):c.531C>T (p.Ser177=)

Gene: KCNQ1 (potassium voltage-gated channel subfamily Q member 1; plus strand). Cytogenetic location: 11p15.5.
Variant type: single nucleotide variant.
Coding change: c.531C>T on transcript NM_000218.3 (MANE Select); coding-DNA position 531, C replaced by T.
Protein change: p.Ser177=; no amino-acid change (serine 177 retained).
Molecular consequence: synonymous variant. On other transcripts: intron variant (1).
Genome position (GRCh38, 1-based): chr11:2,570,681, C>T. VCF-style: chr11-2570681-C-T. GRCh37 (hg19) VCF-style: chr11-2591911-C-T.
Other names: c.531C>T, p.Ser177= (NM_001406836.1); c.261C>T, p.Ser87= (NM_001406837.1); c.150C>T, p.Ser50= (NM_181798.2); c.478-12754C>T (NM_001406838.1).
Identifiers: ClinVar variation 227463 (VCV000227463.31), dbSNP rs757713526, ClinGen allele CA038237.

ClinVar aggregate classification (germline): Likely benign. Review status: criteria provided, multiple submitters, no conflicts (2 of 4 stars). 8 submissions from 8 submitters: Likely benign (6). 2 of the submissions do not count toward it. Last evaluated 2026-01-18.

Conditions:
Cardiac arrhythmia. Also called: Cardiac rhythm disease; Arrhythmia. Identifiers: MedGen C0003811, MONDO:0007263, HP:0011675.
Cardiovascular phenotype. Identifiers: MedGen CN230736.
Long QT syndrome (LQTS). Identifiers: MedGen C0023976, MeSH D008133, MONDO:0002442. Disease mechanism: loss of function. Inheritance: Various modes of inheritance.

Allele frequency attached by ClinVar (database versions not stated): gnomAD below 0.00001 and 0.00001; ExAC 0.00003; gnomAD exomes 0.00003 and 0.00004; TOPMed 0.00003.
gnomAD v4.1: 47 of 1,612,212 alleles (0.0029%); highest among the groups gnomAD compares: South Asian, 0.025%; no homozygotes.

Submissions (8):

Labcorp Genetics (formerly Invitae), Labcorp
Classification: Likely benign for Long QT syndrome. Last evaluated: 2026-01-18. Review status: criteria provided, single submitter. Criteria: Invitae Variant Classification Sherloc (09022015). Collection method: clinical testing. Allele origin: germline.

CeGaT Center for Human Genetics Tuebingen
Classification: Likely benign. Last evaluated: 2025-06-01. Review status: criteria provided, single submitter. Criteria: CeGaT Center For Human Genetics Tuebingen Variant Classification Criteria Version 2. Collection method: clinical testing. Allele origin: germline. Affected: yes. Observed: 1 variant allele.
Comment: KCNQ1: BP4, BP7

All of Us Research Program, National Institutes of Health
Classification: Likely benign for Long QT syndrome. Last evaluated: 2024-02-05. Review status: criteria provided, single submitter. Criteria: ACMG Guidelines, 2015. Collection method: clinical testing. Allele origin: germline. Inheritance: Autosomal dominant inheritance. Observed: 7 variant alleles, 7 heterozygotes.
Comment: This study involves interpretation of variants in research participants for the purpose of population health screening. Participant phenotype was not available at the time of variant classification. Additional details can be found in publication PMID: 35346344, PMCID: PMC8962531

Ambry Genetics
Classification: Likely benign for Cardiovascular phenotype. Last evaluated: 2022-11-02. Review status: criteria provided, single submitter. Criteria: Ambry Variant Classification Scheme 2023. Collection method: clinical testing. Allele origin: germline.

Color Diagnostics, LLC DBA Color Health
Classification: Likely benign for Cardiac arrhythmia. Last evaluated: 2021-12-21. Review status: criteria provided, single submitter. Criteria: ACMG Guidelines, 2015. Collection method: clinical testing. Allele origin: germline.

Laboratory for Molecular Medicine, Mass General Brigham Personalized Medicine
Classification: Likely benign. Last evaluated: 2016-04-07. Review status: criteria provided, single submitter. Criteria: LMM Criteria. Collection method: clinical testing. Allele origin: germline. Observed: 1 variant allele.
Comment: p.Ser177Ser in exon 3 of KCNQ1: This variant is not expected to have clinical si gnificance because it does not alter an amino acid residue and is not located wi thin the splice consensus sequence. It has been identified in 3/16480 South Asia n chromosomes by the Exome Aggregation Consortium (ExAC; dbSNP rs757713526).

Clinical Genetics DNA and cytogenetics Diagnostics Lab, Erasmus MC, Erasmus Medical Center
Classification: Likely benign. Review status: no assertion criteria provided. Collection method: clinical testing. Allele origin: germline. Affected: yes. Study: VKGL Data-share Consensus. Not counted in ClinVar's aggregate classification.

Clinical Genetics, Academic Medical Center
Classification: Benign. Review status: no assertion criteria provided. Collection method: clinical testing. Allele origin: germline. Affected: yes. Study: VKGL Data-share Consensus. Not counted in ClinVar's aggregate classification.